The following is an entry in ClinVar:

ClinVar aggregate classification (germline): Likely benign. Review status: criteria provided, multiple submitters, no conflicts (2 of 4 stars). 3 submissions from 3 submitters: Likely benign (3). Last evaluated 2024-11-27.

Allele frequency attached by ClinVar (database versions not stated): 1000 Genomes Project 0.75300; 1000 Genomes Project 30x 0.75640; gnomAD exomes 0.76121 and 0.77706; ExAC 0.76334; gnomAD 0.77623 and 0.78250; TOPMed 0.78323; ESP Exome Variant Server 0.79429.
gnomAD v4.1: 1,251,750 of 1,611,978 alleles (78%); highest among the groups gnomAD compares: African/African-American, 81%; 487,573 homozygotes.

Submissions (3):

Blueprint Genetics
Classification: Likely benign. Last evaluated: 2024-11-27. Review status: criteria provided, single submitter. Criteria: ACMG Guidelines, 2015. Collection method: clinical testing. Allele origin: germline.

Laboratory for Molecular Medicine, Mass General Brigham Personalized Medicine
Classification: Likely benign. Last evaluated: 2017-04-12. Review status: criteria provided, single submitter. Criteria: LMM Criteria. Collection method: clinical testing. Allele origin: germline. Observed: 3 variant alleles.
Comment: Quick notes: Silent, In 75% of chromosomes. Unlikely to have PGx role

Breakthrough Genomics
Classification: Likely benign. Review status: criteria provided, single submitter. Criteria: ACMG Guidelines, 2015. Collection method: not provided. Allele origin: germline. Inheritance: Autosomal recessive inheritance. Affected: yes.

NM_000367.5(TPMT):c.474C>T (p.Ile158=)

Gene: TPMT (thiopurine S-methyltransferase; minus strand). Cytogenetic location: 6p22.3.
Variant type: single nucleotide variant.
Coding change: c.474C>T on transcript NM_000367.5 (MANE Select); coding-DNA position 474, C replaced by T.
Protein change: p.Ile158=; no amino-acid change (isoleucine 158 retained).
Molecular consequence: synonymous variant. On other transcripts: no sequence alteration (2).
Genome position (GRCh38, 1-based): chr6:18,138,983, G>A on the plus strand (C>T on the coding strand, the complement: TPMT is on the minus strand). VCF-style: chr6-18138983-G-A. GRCh37 (hg19) VCF-style: chr6-18139214-G-A.
Other names: c.474=, p.Ile158= (NM_001346817.1, NM_001346818.1).
Identifiers: ClinVar variation 356114 (VCV000356114.7), dbSNP rs2842934, ClinGen allele CA3650177.
Genomic context (GRCh38, chr6:18,138,983, plus strand): 5'-AAAATTAAGACAGCTAAACAAAAAAAGAAAAATTACTTACCATTTGCGATCACCTGGATT[G>A]ATGGCAACTAATGCTCCTCTATCCCAAATCATGTCAAATTTGCCAATATTTGTCCTACCA-3'
Protein context (NP_000358.1, residues 148-168): MIWDRGALVA[Ile158=]NPGDRKCYAD